The following is an entry in ClinVar:

ClinVar aggregate classification (germline): Uncertain significance (1 of 4 stars; one submission).

Submission:

GeneDx
Classification: Uncertain significance. Last evaluated: 2022-07-13. Review status: criteria provided, single submitter. Criteria: GeneDx Variant Classification Process June 2021. Collection method: clinical testing. Allele origin: germline. Affected: yes.
Comment: Not observed at significant frequency in large population cohorts (gnomAD); In silico analysis supports that this missense variant does not alter protein structure/function; Has not been previously published as pathogenic or benign to our knowledge

NM_182641.4(BPTF):c.1451A>G (p.Glu484Gly)

Gene: BPTF (bromodomain PHD finger transcription factor; plus strand). Cytogenetic location: 17q24.2.
Variant type: single nucleotide variant.
Coding change: c.1451A>G on transcript NM_182641.4 (MANE Select); coding-DNA position 1451, A replaced by G.
Protein change: p.Glu484Gly; replaces glutamic acid 484 with glycine.
Molecular consequence: missense variant.
Genome position (GRCh38, 1-based): chr17:67,866,478, A>G. VCF-style: chr17-67866478-A-G. GRCh37 (hg19) VCF-style: chr17-65862594-A-G.
Other names: c.1451A>G, p.Glu484Gly (NM_004459.7); short protein forms E484G.
Identifiers: ClinVar variation 1878850 (VCV001878850.1), dbSNP rs2510283982, ClinGen allele CA400713655.